The following is an entry in ClinVar:

NM_000051.4(ATM):c.9114G>A (p.Gln3038=)

Genes: ATM (ATM serine/threonine kinase; plus strand), C11orf65 (chromosome 11 open reading frame 65; minus strand). Cytogenetic location: 11q22.3.
Variant type: single nucleotide variant.
Coding change: c.9114G>A on transcript NM_000051.4 (MANE Select); coding-DNA position 9114, G replaced by A.
Protein change: p.Gln3038=; no amino-acid change (glutamine 3038 retained).
Molecular consequence: synonymous variant. On other transcripts: intron variant (2).
Genome position (GRCh38, 1-based): chr11:108,365,451, G>A. VCF-style: chr11-108365451-G-A. GRCh37 (hg19) VCF-style: chr11-108236178-G-A.
Other names: c.9114G>A, p.Gln3038= (NM_001351834.2); c.640+20469C>T (NM_001330368.2); c.694+20469C>T (NM_001351110.2).
Identifiers: ClinVar variation 3254074 (VCV003254074.1), dbSNP rs2091254206.
Genomic context (GRCh38, chr11:108,365,451, plus strand): 5'-AGGAGTGGAAGAAGGCACTGTGCTCAGTGTTGGTGGACAAGTGAATTTGCTCATACAGCA[G>A]GCCATAGACCCCAAAAATCTCAGCCGACTTTTCCCAGGATGGAAAGCTTGGGTGTGATCT-3'
Protein context (NP_000042.3, residues 3028-3048): VGGQVNLLIQ[Gln3038=]AIDPKNLSRL

ClinVar aggregate classification (germline): Benign (1 of 4 stars; one submission).

Conditions:
Familial cancer of breast. Also called: hereditary breast carcinoma; BREAST CANCER, FAMILIAL; Hereditary breast cancer. Identifiers: Orphanet 227535, MedGen C0346153, MONDO:0016419, OMIM 114480. Disease mechanism: loss of function.

Submission:

Myriad Genetics, Inc.
Classification: Benign for Familial cancer of breast. Last evaluated: 2024-06-24. Review status: criteria provided, single submitter. Criteria: Myriad Autosomal Dominant, Autosomal Recessive and X-Linked Classification Criteria (2023). Collection method: clinical testing. Allele origin: unknown.
Comment: This variant is considered benign. This variant is a silent/synonymous amino acid change and it is not expected to impact splicing.